The following is an entry in ClinVar:

ClinVar aggregate classification (germline): Uncertain significance (1 of 4 stars; one submission).

Submission:

Labcorp Genetics (formerly Invitae), Labcorp
Classification: Uncertain significance. Last evaluated: 2025-06-06. Review status: criteria provided, single submitter. Criteria: Invitae Variant Classification Sherloc (09022015). Collection method: clinical testing. Allele origin: germline.
Comment: This sequence change replaces cysteine, which is neutral and slightly polar, with phenylalanine, which is neutral and non-polar, at codon 27 of the FBLN5 protein (p.Cys27Phe). This variant is not present in population databases (gnomAD no frequency). This variant has not been reported in the literature in individuals affected with FBLN5-related conditions. An algorithm developed to predict the effect of missense changes on protein structure and function (PolyPhen-2) suggests that this variant is likely to be disruptive. In summary, the available evidence is currently insufficient to determine the role of this variant in disease. Therefore, it has been classified as a Variant of Uncertain Significance.

NM_006329.4(FBLN5):c.80G>T (p.Cys27Phe)

Gene: FBLN5 (fibulin 5; minus strand). Cytogenetic location: 14q32.12.
Variant type: single nucleotide variant.
Coding change: c.80G>T on transcript NM_006329.4 (MANE Select); coding-DNA position 80, G replaced by T.
Protein change: p.Cys27Phe; replaces cysteine 27 with phenylalanine.
Molecular consequence: missense variant. On other transcripts: 5 prime UTR variant (2).
Genome position (GRCh38, 1-based): chr14:91,940,609, C>A on the plus strand (G>T on the coding strand, the complement: FBLN5 is on the minus strand). VCF-style: chr14-91940609-C-A. GRCh37 (hg19) VCF-style: chr14-92406953-C-A.
Other names: c.80G>T, p.Cys27Phe (NM_001384158.1, NM_001384160.1); c.131G>T, p.Cys44Phe (NM_001384159.1); c.-190G>T (NM_001384161.1, NM_001384162.1); short protein forms C27F, C44F.
Identifiers: ClinVar variation 4720872 (VCV004720872.1).
Genomic context (GRCh38, chr14:91,940,609, plus strand): 5'-CCACAGTGGCTCATACCTAAACACTGTCCTGACTGGCGATCCAGGTCAAAGCCATTCGTG[C>A]ACTGTGCCTGCAGGGAAGGAGAGAGGAGAAACAGGCAAGGTCATTTCACACCATAAAAGT-3'
Protein context (NP_006320.2, residues 17-37): LPSPGNAQAQ[Cys27Phe]TNGFDLDRQS